The following is an entry in ClinVar:

ClinVar aggregate classification (germline): Uncertain significance. Review status: criteria provided, multiple submitters, no conflicts (2 of 4 stars). 4 submissions from 4 submitters: Uncertain significance (4). Last evaluated 2026-05-21.

Conditions:
Inborn genetic diseases. Identifiers: MedGen C0950123, MeSH D030342.
VPS33B-related disorder. Also called: VPS33B-related condition.

gnomAD v4.1: 13 of 1,614,004 alleles (0.00081%); highest among the groups gnomAD compares: African/African-American, 0.011%; no homozygotes.

Submissions (4):

PreventionGenetics, part of Exact Sciences
Classification: Uncertain significance for VPS33B-related condition. Last evaluated: 2026-05-21. Review status: criteria provided, single submitter. Criteria: ACMG Guidelines, 2015. Collection method: clinical testing. Allele origin: germline.
Comment: The VPS33B c.1837A>T variant is predicted to result in the amino acid substitution p.Ser613Cys. To our knowledge, this variant has not been reported in the literature or in a large population database (gnomAD), indicating this variant is rare. At this time, the clinical significance of this variant is uncertain due to the absence of conclusive functional and genetic evidence.

Labcorp Genetics (formerly Invitae), Labcorp
Classification: Uncertain significance. Last evaluated: 2026-01-14. Review status: criteria provided, single submitter. Criteria: Invitae Variant Classification Sherloc (09022015). Collection method: clinical testing. Allele origin: germline.
Comment: This sequence change replaces serine, which is neutral and polar, with cysteine, which is neutral and slightly polar, at codon 613 of the VPS33B protein (p.Ser613Cys). This variant is not present in population databases (gnomAD no frequency). This variant has not been reported in the literature in individuals affected with VPS33B-related conditions. An algorithm developed to predict the effect of missense changes on protein structure and function (PolyPhen-2) suggests that this variant is likely to be tolerated. In summary, the available evidence is currently insufficient to determine the role of this variant in disease. Therefore, it has been classified as a Variant of Uncertain Significance.

Ambry Genetics
Classification: Uncertain significance for Inborn genetic diseases. Last evaluated: 2025-10-18. Review status: criteria provided, single submitter. Criteria: Ambry Variant Classification Scheme 2023. Collection method: clinical testing. Allele origin: germline.

Blueprint Genetics
Classification: Uncertain significance. Last evaluated: 2024-07-24. Review status: criteria provided, single submitter. Criteria: ACMG Guidelines, 2015. Collection method: clinical testing. Allele origin: germline.

NM_018668.5(VPS33B):c.1837A>T (p.Ser613Cys)

Gene: VPS33B (VPS33B late endosome and lysosome associated; minus strand). Cytogenetic location: 15q26.1.
Variant type: single nucleotide variant.
Coding change: c.1837A>T on transcript NM_018668.5 (MANE Select); coding-DNA position 1837, A replaced by T.
Protein change: p.Ser613Cys; replaces serine 613 with cysteine.
Molecular consequence: missense variant.
Genome position (GRCh38, 1-based): chr15:90,998,992, T>A on the plus strand (A>T on the coding strand, the complement: VPS33B is on the minus strand). VCF-style: chr15-90998992-T-A. GRCh37 (hg19) VCF-style: chr15-91542222-T-A.
Other names: c.1756A>T, p.Ser586Cys (NM_001289148.1); c.1564A>T, p.Ser522Cys (NM_001289149.1); short protein forms S613C, S522C, S586C.
Identifiers: ClinVar variation 4634498 (VCV004634498.4).